The following is an entry in ClinVar:

NM_000782.5(CYP24A1):c.259-1G>A

Gene: CYP24A1 (cytochrome P450 family 24 subfamily A member 1; minus strand). Cytogenetic location: 20q13.2.
Variant type: single nucleotide variant.
Coding change: c.259-1G>A on transcript NM_000782.5 (MANE Select); the canonical splice acceptor site of the intron before coding-DNA position 259, G replaced by A.
Molecular consequence: splice acceptor variant.
Genome position (GRCh38, 1-based): chr20:54,173,100, C>T on the plus strand (G>A on the coding strand, the complement: CYP24A1 is on the minus strand). VCF-style: chr20-54173100-C-T. GRCh37 (hg19) VCF-style: chr20-52789639-C-T.
Other names: c.259-1G>A (NM_001128915.2).
Identifiers: ClinVar variation 2111620 (VCV002111620.4), dbSNP rs1302928728, ClinGen allele CA409393377.
Genomic context (GRCh38, chr20:54,173,100, plus strand): 5'-CGACTCAAAGGAACCCAACTTCATGCGGAAAATCTTGCCATACTTCTTGTGGTACTCCAC[C>T]TGCAGCCGGCCGGGCACAGCGCGGTGTCAGCGCGCATCCTCCGCCGTGCCCGAAGCGCTT-3'

ClinVar aggregate classification (germline): Likely pathogenic (1 of 4 stars; one submission).

Allele frequency attached by ClinVar (database versions not stated): gnomAD 0.00001.
gnomAD v4.1: 5 of 1,602,142 alleles (0.00031%); highest among the groups gnomAD compares: Non-Finnish European, 0.00042%; no homozygotes.

Submission:

Labcorp Genetics (formerly Invitae), Labcorp
Classification: Likely pathogenic. Last evaluated: 2022-03-14. Review status: criteria provided, single submitter. Criteria: Invitae Variant Classification Sherloc (09022015). Collection method: clinical testing. Allele origin: germline.
Comment: In summary, the currently available evidence indicates that the variant is pathogenic, but additional data are needed to prove that conclusively. Therefore, this variant has been classified as Likely Pathogenic. Algorithms developed to predict the effect of sequence changes on RNA splicing suggest that this variant may disrupt the consensus splice site. This variant has not been reported in the literature in individuals affected with CYP24A1-related conditions. This variant is present in population databases (no rsID available, gnomAD 0.007%). This sequence change affects an acceptor splice site in intron 1 of the CYP24A1 gene. It is expected to disrupt RNA splicing. Variants that disrupt the donor or acceptor splice site typically lead to a loss of protein function (PMID: 16199547), and loss-of-function variants in CYP24A1 are known to be pathogenic (PMID: 21675912).

Literature cited by the submitters: PubMed 16199547; PubMed 21675912.